The following is an entry in ClinVar:

NM_003073.5(SMARCB1):c.237C>T (p.His79=)

Gene: SMARCB1 (SWI/SNF related BAF chromatin remodeling complex subunit B1; plus strand). Cytogenetic location: 22q11.23.
Variant type: single nucleotide variant.
Coding change: c.237C>T on transcript NM_003073.5 (MANE Select); coding-DNA position 237, C replaced by T.
Protein change: p.His79=; no amino-acid change (histidine 79 retained).
Molecular consequence: synonymous variant.
Genome position (GRCh38, 1-based): chr22:23,793,563, C>T. VCF-style: chr22-23793563-C-T. GRCh37 (hg19) VCF-style: chr22-24135750-C-T.
Other names: c.237C>T (LRG_520t1); c.210C>T, p.His70= (NM_001007468.3, NM_001317946.2); c.237C>T, p.His79= (NM_001362877.2).
Identifiers: ClinVar variation 416329 (VCV000416329.19), dbSNP rs200394488, ClinGen allele CA10145877.

ClinVar aggregate classification (germline): Likely benign. Review status: criteria provided, multiple submitters, no conflicts (2 of 4 stars). 5 submissions from 5 submitters: Likely benign (5). Last evaluated 2026-06-01.

Conditions:
Hereditary cancer-predisposing syndrome. Also called: Tumor predisposition; Hereditary neoplastic syndrome; Hereditary Cancer Syndrome; Neoplastic Syndromes, Hereditary. Identifiers: Orphanet 140162, MedGen C0027672, MeSH D009386, MONDO:0015356.

Allele frequency attached by ClinVar (database versions not stated): gnomAD exomes 0.00001 and 0.00002; ExAC 0.00002; TOPMed 0.00003; ESP Exome Variant Server 0.00008; 1000 Genomes Project 30x 0.00016; 1000 Genomes Project 0.00020.
gnomAD v4.1: 10 of 1,613,588 alleles (0.00062%); highest among the groups gnomAD compares: Middle Eastern, 0.017%; no homozygotes.

Submissions (5):

CeGaT Center for Human Genetics Tuebingen
Classification: Likely benign. Last evaluated: 2026-06-01. Review status: criteria provided, single submitter. Criteria: CeGaT Center For Human Genetics Tuebingen Variant Classification Criteria Version 2. Collection method: clinical testing. Allele origin: germline. Affected: yes. Observed: 1 variant allele.
Comment: SMARCB1: BP4, BP7

Labcorp Genetics (formerly Invitae), Labcorp
Classification: Likely benign. Last evaluated: 2025-12-17. Review status: criteria provided, single submitter. Criteria: Invitae Variant Classification Sherloc (09022015). Collection method: clinical testing. Allele origin: germline.

ARUP Laboratories, Molecular Genetics and Genomics, ARUP Laboratories
Classification: Likely benign. Last evaluated: 2023-09-18. Review status: criteria provided, single submitter. Criteria: ARUP Molecular Germline Variant Investigation Process 2024. Collection method: clinical testing. Allele origin: germline.

Sema4
Classification: Likely benign for Hereditary cancer-predisposing syndrome. Last evaluated: 2021-10-28. Review status: criteria provided, single submitter. Criteria: Sema4 Curation Guidelines. Collection method: curation. Allele origin: germline.

Ambry Genetics
Classification: Likely benign for Hereditary cancer-predisposing syndrome. Last evaluated: 2019-08-19. Review status: criteria provided, single submitter. Criteria: Ambry Variant Classification Scheme 2023. Collection method: clinical testing. Allele origin: germline.